The following is an entry in ClinVar:

NM_017780.4(CHD7):c.7840G>A (p.Asp2614Asn)

Gene: CHD7 (chromodomain helicase DNA binding protein 7; plus strand). Cytogenetic location: 8q12.2.
Variant type: single nucleotide variant.
Coding change: c.7840G>A on transcript NM_017780.4 (MANE Select); coding-DNA position 7840, G replaced by A.
Protein change: p.Asp2614Asn; replaces aspartic acid 2614 with asparagine.
Molecular consequence: missense variant. On other transcripts: intron variant (1).
Genome position (GRCh38, 1-based): chr8:60,862,205, G>A. VCF-style: chr8-60862205-G-A. GRCh37 (hg19) VCF-style: chr8-61774764-G-A.
Other names: c.1717-24G>A (NM_001316690.1); short protein forms D2614N.
Identifiers: ClinVar variation 4737753 (VCV004737753.1).

ClinVar aggregate classification (germline): Uncertain significance (1 of 4 stars; one submission).

Conditions:
CHARGE syndrome (CHARGE). Also called: Hittner Hirsch Kreh syndrome; CHARGE ASSOCIATION--COLOBOMA, HEART ANOMALY, CHOANAL ATRESIA, RETARDATION, GENITAL AND EAR ANOMALIES; Coloboma, heart anomaly, choanal atresia, retardation, genital and ear anomalies; CHARGE association; Hall-Hittner syndrome. Identifiers: Orphanet 138, MedGen C0265354, MONDO:0008965.

Submission:

Labcorp Genetics (formerly Invitae), Labcorp
Classification: Uncertain significance for CHARGE syndrome. Last evaluated: 2025-11-18. Review status: criteria provided, single submitter. Criteria: Invitae Variant Classification Sherloc (09022015). Collection method: clinical testing. Allele origin: germline.
Comment: This sequence change replaces aspartic acid, which is acidic and polar, with asparagine, which is neutral and polar, at codon 2614 of the CHD7 protein (p.Asp2614Asn). This variant is not present in population databases (gnomAD no frequency). This variant has not been reported in the literature in individuals affected with CHD7-related conditions. Invitae Evidence Modeling of protein sequence and biophysical properties (such as structural, functional, and spatial information, amino acid conservation, physicochemical variation, residue mobility, and thermodynamic stability) indicates that this missense variant is not expected to disrupt CHD7 protein function with a negative predictive value of 80%. Algorithms developed to predict the effect of sequence changes on RNA splicing suggest that this variant may create or strengthen a splice site. In summary, the available evidence is currently insufficient to determine the role of this variant in disease. Therefore, it has been classified as a Variant of Uncertain Significance.